The following is an entry in ClinVar:

ClinVar aggregate classification (germline): Uncertain significance. Review status: criteria provided, multiple submitters, no conflicts (2 of 4 stars). 2 submissions from 2 submitters: Uncertain significance (2). Last evaluated 2025-03-07.

Conditions:
Fanconi anemia (FA). Also called: Fanconi's anemia. Identifiers: Orphanet 84, MedGen C0015625, MeSH D005199, MONDO:0019391.
Inborn genetic diseases. Identifiers: MedGen C0950123, MeSH D030342.

Allele frequency attached by ClinVar (database versions not stated): gnomAD exomes below 0.00001; ExAC 0.00002.
gnomAD v4.1: 2 of 1,610,704 alleles (0.00012%); highest among the groups gnomAD compares: Admixed American, 0.0017%; no homozygotes.

Submissions (2):

Ambry Genetics
Classification: Uncertain significance for Inborn genetic diseases. Last evaluated: 2025-03-07. Review status: criteria provided, single submitter. Criteria: Ambry Variant Classification Scheme 2023. Collection method: clinical testing. Allele origin: germline.
Comment: The p.V1332A variant (also known as c.3995T>C), located in coding exon 14 of the FANCM gene, results from a T to C substitution at nucleotide position 3995. The valine at codon 1332 is replaced by alanine, an amino acid with similar properties. This amino acid position is conserved. In addition, this alteration is predicted to be tolerated by in silico analysis. Based on the available evidence, the clinical significance of this variant remains unclear.

Labcorp Genetics (formerly Invitae), Labcorp
Classification: Uncertain significance for Fanconi anemia. Last evaluated: 2022-02-11. Review status: criteria provided, single submitter. Criteria: Invitae Variant Classification Sherloc (09022015). Collection method: clinical testing. Allele origin: germline.
Comment: In summary, the available evidence is currently insufficient to determine the role of this variant in disease. Therefore, it has been classified as a Variant of Uncertain Significance. This variant has not been reported in the literature in individuals affected with FANCM-related conditions. Algorithms developed to predict the effect of missense changes on protein structure and function output the following: SIFT: "Tolerated"; PolyPhen-2: "Benign"; Align-GVGD: "Class C0". The alanine amino acid residue is found in multiple mammalian species, which suggests that this missense change does not adversely affect protein function. This sequence change replaces valine, which is neutral and non-polar, with alanine, which is neutral and non-polar, at codon 1332 of the FANCM protein (p.Val1332Ala). This variant is present in population databases (rs768195897, gnomAD 0.004%).

NM_020937.4(FANCM):c.3995T>C (p.Val1332Ala)

Gene: FANCM (FA complementation group M; plus strand). Cytogenetic location: 14q21.2.
Variant type: single nucleotide variant.
Coding change: c.3995T>C on transcript NM_020937.4 (MANE Select); coding-DNA position 3995, T replaced by C.
Protein change: p.Val1332Ala; replaces valine 1332 with alanine.
Molecular consequence: missense variant.
Genome position (GRCh38, 1-based): chr14:45,176,749, T>C. VCF-style: chr14-45176749-T-C. GRCh37 (hg19) VCF-style: chr14-45645952-T-C.
Other names: c.3917T>C, p.Val1306Ala (NM_001308133.2); short protein forms V1332A, V1306A.
Identifiers: ClinVar variation 2199168 (VCV002199168.5), dbSNP rs768195897, ClinGen allele CA7169610.